The following is an entry in ClinVar:

NM_182961.4(SYNE1):c.21184A>C (p.Lys7062Gln)

Gene: SYNE1 (spectrin repeat containing nuclear envelope protein 1; minus strand). Cytogenetic location: 6q25.2.
Variant type: single nucleotide variant.
Coding change: c.21184A>C on transcript NM_182961.4 (MANE Select); coding-DNA position 21184, A replaced by C.
Protein change: p.Lys7062Gln; replaces lysine 7062 with glutamine.
Molecular consequence: missense variant.
Genome position (GRCh38, 1-based): chr6:152,230,558, T>G on the plus strand (A>C on the coding strand, the complement: SYNE1 is on the minus strand). VCF-style: chr6-152230558-T-G. GRCh37 (hg19) VCF-style: chr6-152551693-T-G.
Other names: c.20971A>C, p.Lys6991Gln (NM_033071.5); short protein forms K6991Q, K7062Q.
Identifiers: ClinVar variation 1020552 (VCV001020552.8), dbSNP rs771203839, ClinGen allele CA4054241.
Genomic context (GRCh38, chr6:152,230,558, plus strand): 5'-ACGCTATGAAATTGTGAGATGGTGCATGTTAGCCACCTGGACAAGTTACCTGACAGTCTT[T>G]CAGTGCATTTTGAACAGAAGCCTGATCTCCAATTCGATGCTGTTGTTTTAGTCTCTTTTC-3'
Protein context (NP_892006.3, residues 7052-7072): GDQASVQNAL[Lys7062Gln]DCQDLEDLIK

ClinVar aggregate classification (germline): Uncertain significance (1 of 4 stars; one submission).

Conditions:
Autosomal recessive ataxia, Beauce type. Also called: ATAXIA, RECESSIVE, OF BEAUCE; Spinocerebellar ataxia, autosomal recessive 8; SYNE1-Related Autosomal Recessive Cerebellar Ataxia; SYNE1 Deficiency. Identifiers: Orphanet 88644, MedGen C1853116, MONDO:0012549, OMIM 610743.
Emery-Dreifuss muscular dystrophy 4, autosomal dominant (EDMD4). Also called: EMERY-DREIFUSS MUSCULAR DYSTROPHY 4 WITH VARIABLE FEATURES. Identifiers: Orphanet 261, MedGen C2751807, MONDO:0013071, OMIM 612998.

Allele frequency attached by ClinVar (database versions not stated): gnomAD 0.00001 and below 0.00001; ExAC 0.00004; gnomAD exomes 0.00004.
gnomAD v4.1: 31 of 1,613,998 alleles (0.0019%); highest among the groups gnomAD compares: South Asian, 0.033%; no homozygotes.

Submission:

Labcorp Genetics (formerly Invitae), Labcorp
Classification: Uncertain significance for Emery-Dreifuss muscular dystrophy 4, autosomal dominant; Autosomal recessive ataxia, Beauce type. Last evaluated: 2023-08-10. Review status: criteria provided, single submitter. Criteria: Invitae Variant Classification Sherloc (09022015). Collection method: clinical testing. Allele origin: germline.
Comment: In summary, the available evidence is currently insufficient to determine the role of this variant in disease. Therefore, it has been classified as a Variant of Uncertain Significance. An algorithm developed to predict the effect of missense changes on protein structure and function (PolyPhen-2) suggests that this variant is likely to be disruptive. ClinVar contains an entry for this variant (Variation ID: 1020552). This variant has not been reported in the literature in individuals affected with SYNE1-related conditions. This variant is present in population databases (rs771203839, gnomAD 0.03%). This sequence change replaces lysine, which is basic and polar, with glutamine, which is neutral and polar, at codon 6991 of the SYNE1 protein (p.Lys6991Gln).